The following is an entry in ClinVar:

ClinVar aggregate classification (germline): Benign. Review status: criteria provided, single submitter (1 of 4 stars). 2 submissions from 2 submitters: Benign (1). 1 of the submissions does not count toward it. Last evaluated 2019-12-13.

Conditions:
SOX4-related disorder. Also called: SOX4-related condition.

Submissions (2):

Labcorp Genetics (formerly Invitae), Labcorp
Classification: Benign. Last evaluated: 2019-12-13. Review status: criteria provided, single submitter. Criteria: Invitae Variant Classification Sherloc (09022015). Collection method: clinical testing. Allele origin: germline.

PreventionGenetics, part of Exact Sciences
Classification: Benign for SOX4-related condition. Last evaluated: 2019-11-06. Review status: no assertion criteria provided. Collection method: clinical testing. Allele origin: germline. Not counted in ClinVar's aggregate classification.
Comment: This variant is classified as benign based on ACMG/AMP sequence variant interpretation guidelines (Richards et al. 2015 PMID: 25741868, with internal and published modifications).

NM_003107.3(SOX4):c.504CGG[6] (p.Gly173dup)

Gene: SOX4 (SRY-box transcription factor 4; plus strand). Cytogenetic location: 6p22.3.
Variant type: Microsatellite.
Coding change: c.504CGG[6] on transcript NM_003107.3 (MANE Select); six copies in a row of the 3-base unit CGG starting at c.504; the reference has five copies in a row; one copy, 3 bases duplicated; also written c.516_518dup.
Protein change: p.Gly173dup; duplicates glycine 173.
Molecular consequence: inframe insertion.
Genome position (GRCh38, 1-based): chr6:21,595,050-21,595,052, CGG duplicated; duplicating any 3 consecutive bases within chr6:21,595,036-21,595,052 gives the same sequence; the position shown is the placement nearest the transcript's 3' end. VCF-style (leftmost placement, unchanged base first): chr6-21595035-G-GGGC. GRCh37 (hg19) VCF-style: chr6-21595266-G-GGGC.
Other names: c.516_518dup (NM_003107.2).
Identifiers: ClinVar variation 781863 (VCV000781863.6), dbSNP rs564094826, ClinGen allele CA3653606.